The following is an entry in ClinVar:

NM_004369.4(COL6A3):c.7178C>T (p.Pro2393Leu)

Gene: COL6A3 (collagen type VI alpha 3 chain; minus strand). Cytogenetic location: 2q37.3.
Variant type: single nucleotide variant.
Coding change: c.7178C>T on transcript NM_004369.4 (MANE Select); coding-DNA position 7178, C replaced by T.
Protein change: p.Pro2393Leu; replaces proline 2393 with leucine.
Molecular consequence: missense variant.
Genome position (GRCh38, 1-based): chr2:237,344,840, G>A on the plus strand (C>T on the coding strand, the complement: COL6A3 is on the minus strand). VCF-style: chr2-237344840-G-A. GRCh37 (hg19) VCF-style: chr2-238253483-G-A.
Other names: c.5357C>T, p.Pro1786Leu (NM_057166.5); c.6560C>T, p.Pro2187Leu (NM_057167.4); short protein forms P2187L, P1786L, P2393L.
Identifiers: ClinVar variation 2034889 (VCV002034889.5), dbSNP rs755170918, ClinGen allele CA2187852.

ClinVar aggregate classification (germline): Uncertain significance. Review status: criteria provided, multiple submitters, no conflicts (2 of 4 stars). 2 submissions from 2 submitters: Uncertain significance (2). Last evaluated 2025-09-10.

Conditions:
Bethlem myopathy 1A. Also called: MYOPATHY, BENIGN CONGENITAL, WITH CONTRACTURES; Bethlem myopathy 1; Bethlem Muscular Dystrophy. Identifiers: Orphanet 610, MedGen CN029274, MONDO:0024530, OMIM 158810.
Inborn genetic diseases. Identifiers: MedGen C0950123, MeSH D030342.

Allele frequency attached by ClinVar (database versions not stated): gnomAD exomes below 0.00001; TOPMed below 0.00001; ExAC 0.00001.
gnomAD v4.1: 1 of 1,613,320 alleles (0.000062%); highest among the groups gnomAD compares: Middle Eastern, 0.016%; no homozygotes.

Submissions (2):

Ambry Genetics
Classification: Uncertain significance for Inborn genetic diseases. Last evaluated: 2025-09-10. Review status: criteria provided, single submitter. Criteria: Ambry Variant Classification Scheme 2023. Collection method: clinical testing. Allele origin: germline.

Labcorp Genetics (formerly Invitae), Labcorp
Classification: Uncertain significance for Bethlem myopathy 1A. Last evaluated: 2024-02-05. Review status: criteria provided, single submitter. Criteria: Invitae Variant Classification Sherloc (09022015). Collection method: clinical testing. Allele origin: germline.
Comment: This sequence change replaces proline, which is neutral and non-polar, with leucine, which is neutral and non-polar, at codon 2393 of the COL6A3 protein (p.Pro2393Leu). This variant is not present in population databases (gnomAD no frequency). This variant has not been reported in the literature in individuals affected with COL6A3-related conditions. ClinVar contains an entry for this variant (Variation ID: 2034889). Advanced modeling of protein sequence and biophysical properties (such as structural, functional, and spatial information, amino acid conservation, physicochemical variation, residue mobility, and thermodynamic stability) performed at Invitae indicates that this missense variant is expected to disrupt COL6A3 protein function with a positive predictive value of 80%. In summary, the available evidence is currently insufficient to determine the role of this variant in disease. Therefore, it has been classified as a Variant of Uncertain Significance.